The following is an entry in ClinVar:

ClinVar aggregate classification (germline): Uncertain significance (1 of 4 stars; one submission).

Allele frequency attached by ClinVar (database versions not stated): gnomAD exomes 0.00001; gnomAD 0.00001; 1000 Genomes Project 30x 0.00016; ExAC 0.00002; 1000 Genomes Project 0.00020.
gnomAD v4.1: 13 of 1,613,126 alleles (0.00081%); highest among the groups gnomAD compares: African/African-American, 0.011%; no homozygotes.

Submission:

Labcorp Genetics (formerly Invitae), Labcorp
Classification: Uncertain significance. Last evaluated: 2023-10-06. Review status: criteria provided, single submitter. Criteria: Invitae Variant Classification Sherloc (09022015). Collection method: clinical testing. Allele origin: germline.
Comment: This sequence change replaces serine, which is neutral and polar, with isoleucine, which is neutral and non-polar, at codon 257 of the NUP62 protein (p.Ser257Ile). This variant is present in population databases (rs546844545, gnomAD 0.007%). This variant has not been reported in the literature in individuals affected with NUP62-related conditions. An algorithm developed to predict the effect of missense changes on protein structure and function (PolyPhen-2) suggests that this variant is likely to be tolerated. In summary, the available evidence is currently insufficient to determine the role of this variant in disease. Therefore, it has been classified as a Variant of Uncertain Significance.

NM_016553.5(NUP62):c.770G>T (p.Ser257Ile)

Genes: IL4I1 (interleukin 4 induced 1; minus strand), NUP62 (nucleoporin 62; minus strand). Cytogenetic location: 19q13.33.
Variant type: single nucleotide variant.
Coding change: c.770G>T on transcript NM_016553.5 (MANE Select); coding-DNA position 770, G replaced by T.
Protein change: p.Ser257Ile; replaces serine 257 with isoleucine.
Molecular consequence: missense variant. On other transcripts: intron variant (3).
Genome position (GRCh38, 1-based): chr19:49,909,038, C>A on the plus strand (G>T on the coding strand, the complement: NUP62 is on the minus strand). VCF-style: chr19-49909038-C-A. GRCh37 (hg19) VCF-style: chr19-50412295-C-A.
Other names: c.770G>T, p.Ser257Ile (NM_001193357.2, NM_012346.5, NM_153718.4 and 1 more transcripts); c.-227-4717G>T (NM_001258017.2, NM_172374.3); c.-285-4717G>T (NM_001258018.2); short protein forms S257I.
Identifiers: ClinVar variation 2974959 (VCV002974959.3), dbSNP rs546844545, ClinGen allele CA9589053.